The following is an entry in ClinVar:

NM_001126108.2(SLC12A3):c.1335+2T>C

Gene: SLC12A3 (solute carrier family 12 member 3; plus strand). Cytogenetic location: 16q13.
Variant type: single nucleotide variant.
Coding change: c.1335+2T>C on transcript NM_001126108.2 (MANE Select); the canonical splice donor site of the intron after coding-DNA position 1335, T replaced by C.
Molecular consequence: splice donor variant.
Genome position (GRCh38, 1-based): chr16:56,879,229, T>C. VCF-style: chr16-56879229-T-C. GRCh37 (hg19) VCF-style: chr16-56913141-T-C.
Other names: c.1335+2T>C (NM_000339.3); c.1332+2T>C (NM_001126107.2, NM_001410896.1).
Identifiers: ClinVar variation 1068403 (VCV001068403.7), dbSNP rs2144711826, ClinGen allele CA395986484.

ClinVar aggregate classification (germline): Likely pathogenic (1 of 4 stars; one submission).

Submission:

Labcorp Genetics (formerly Invitae), Labcorp
Classification: Likely pathogenic. Last evaluated: 2020-08-25. Review status: criteria provided, single submitter. Criteria: Invitae Variant Classification Sherloc (09022015). Collection method: clinical testing. Allele origin: germline.
Comment: This sequence change affects a donor splice site in intron 10 of the SLC12A3 gene. It is expected to disrupt RNA splicing and likely results in an absent or disrupted protein product. This variant is not present in population databases (ExAC no frequency). This variant has not been reported in the literature in individuals with SLC12A3-related conditions. Algorithms developed to predict the effect of sequence changes on RNA splicing suggest that this variant may disrupt the consensus splice site, but this prediction has not been confirmed by published transcriptional studies. Donor and acceptor splice site variants typically lead to a loss of protein function (PMID: 16199547), and loss-of-function variants in SLC12A3 are known to be pathogenic (PMID: 20848653, 22009145, 25841442). In summary, the currently available evidence indicates that the variant is pathogenic, but additional data are needed to prove that conclusively. Therefore, this variant has been classified as Likely Pathogenic.

Literature cited by the submitters: PubMed 16199547; PubMed 20848653; PubMed 22009145; PubMed 25841442.